The following is an entry in ClinVar:

ClinVar aggregate classification (germline): Uncertain significance (1 of 4 stars; one submission).

Conditions:
Bardet-Biedl syndrome (BBS). Identifiers: Orphanet 110, MedGen C0752166, MONDO:0015229.

Allele frequency attached by ClinVar (database versions not stated): gnomAD 0.00001; gnomAD exomes 0.00001.
gnomAD v4.1: 7 of 1,614,016 alleles (0.00043%); highest among the groups gnomAD compares: Non-Finnish European, 0.00051%; no homozygotes.

Submission:

Labcorp Genetics (formerly Invitae), Labcorp
Classification: Uncertain significance for Bardet-Biedl syndrome. Last evaluated: 2021-03-09. Review status: criteria provided, single submitter. Criteria: Invitae Variant Classification Sherloc (09022015). Collection method: clinical testing. Allele origin: germline.
Comment: This variant has not been reported in the literature in individuals with TRIM32-related conditions. This sequence change replaces serine with glycine at codon 92 of the TRIM32 protein (p.Ser92Gly). The serine residue is highly conserved and there is a small physicochemical difference between serine and glycine. This variant is not present in population databases (ExAC no frequency). Algorithms developed to predict the effect of missense changes on protein structure and function (SIFT, PolyPhen-2, Align-GVGD) all suggest that this variant is likely to be tolerated, but these predictions have not been confirmed by published functional studies and their clinical significance is uncertain. In summary, the available evidence is currently insufficient to determine the role of this variant in disease. Therefore, it has been classified as a Variant of Uncertain Significance.

NM_012210.4(TRIM32):c.274A>G (p.Ser92Gly)

Genes: ASTN2 (astrotactin 2; minus strand), TRIM32 (tripartite motif containing 32; plus strand). Cytogenetic location: 9q33.1.
Variant type: single nucleotide variant.
Coding change: c.274A>G on transcript NM_012210.4 (MANE Select); coding-DNA position 274, A replaced by G.
Protein change: p.Ser92Gly; replaces serine 92 with glycine.
Molecular consequence: missense variant. On other transcripts: intron variant (3).
Genome position (GRCh38, 1-based): chr9:116,698,016, A>G. VCF-style: chr9-116698016-A-G. GRCh37 (hg19) VCF-style: chr9-119460295-A-G.
Other names: c.274A>G, p.Ser92Gly (NM_001099679.2, NM_001379048.1, NM_001379049.1 and 1 more transcripts); c.2653+27755T>C (NM_014010.5); c.2794+27755T>C (NM_001365069.1); c.2806+27755T>C (NM_001365068.1); short protein forms S92G.
Identifiers: ClinVar variation 1450102 (VCV001450102.7), dbSNP rs1860959982, ClinGen allele CA374647937.